The following is an entry in ClinVar:

NM_001013703.4(EIF2AK4):c.4562-12T>G

Gene: EIF2AK4 (eukaryotic translation initiation factor 2 alpha kinase 4; plus strand). Cytogenetic location: 15q15.1.
Variant type: single nucleotide variant.
Coding change: c.4562-12T>G on transcript NM_001013703.4 (MANE Select); 12 bases into the intron before coding-DNA position 4562, T replaced by G.
Molecular consequence: intron variant.
Genome position (GRCh38, 1-based): chr15:40,030,347, T>G. VCF-style: chr15-40030347-T-G. GRCh37 (hg19) VCF-style: chr15-40322548-T-G.
Identifiers: ClinVar variation 507457 (VCV000507457.22), dbSNP rs7165452, ClinGen allele CA7474664.

ClinVar aggregate classification (germline): Benign. Review status: criteria provided, multiple submitters, no conflicts (2 of 4 stars). 5 submissions from 5 submitters: Benign (5). Last evaluated 2026-02-02.

Conditions:
Familial pulmonary capillary hemangiomatosis (PVOD2). Also called: Pulmonary venoocclusive disease 2; Pulmonary venoocclusive disease 2, autosomal recessive. Identifiers: Orphanet 199241, MedGen C0340848, MONDO:0009329, OMIM 234810.

Allele frequency attached by ClinVar (database versions not stated): gnomAD exomes 0.00133 and 0.00339; ExAC 0.00478; gnomAD 0.01348 and 0.01444; ESP Exome Variant Server 0.01436; TOPMed 0.01537; 1000 Genomes Project 0.01657; 1000 Genomes Project 30x 0.01796.
gnomAD v4.1: 4,038 of 1,613,372 alleles (0.25%); highest among the groups gnomAD compares: African/African-American, 4.9%; 101 homozygotes.

Submissions (10):

Labcorp Genetics (formerly Invitae), Labcorp
Classification: Benign. Last evaluated: 2026-02-02. Review status: criteria provided, single submitter. Criteria: Invitae Variant Classification Sherloc (09022015). Collection method: clinical testing. Allele origin: germline.

ARUP Laboratories, Molecular Genetics and Genomics, ARUP Laboratories
Classification: Benign for Familial pulmonary capillary hemangiomatosis. Last evaluated: 2025-06-19. Review status: criteria provided, single submitter. Criteria: ARUP Molecular Germline Variant Investigation Process 2024. Collection method: clinical testing. Allele origin: germline.

Fulgent Genetics
Classification: Benign for Familial pulmonary capillary hemangiomatosis. Last evaluated: 2021-11-10. Review status: criteria provided, single submitter. Criteria: ACMG Guidelines, 2015. Collection method: clinical testing. Allele origin: unknown.

GeneDx
Classification: Benign. Last evaluated: 2017-02-09. Review status: criteria provided, single submitter. Criteria: GeneDx Variant Classification (06012015). Collection method: clinical testing. Allele origin: germline. Affected: yes.
Comment: This variant is considered likely benign or benign based on one or more of the following criteria: it is a conservative change, it occurs at a poorly conserved position in the protein, it is predicted to be benign by multiple in silico algorithms, and/or has population frequency not consistent with disease.

Breakthrough Genomics
Classification: Benign. Review status: criteria provided, single submitter. Criteria: ACMG Guidelines, 2015. Collection method: not provided. Allele origin: germline. Inheritance: Autosomal recessive inheritance. Affected: yes.

Dr. Peter K. Rogan Lab, Western University
No classification provided (evidence only). Condition: Lung cancer. Review status: no classification provided. Collection method: in vitro. Allele origin: not applicable. Functional consequence: retained intron. Not counted in ClinVar's aggregate classification.

Dr. Peter K. Rogan Lab, Western University
No classification provided (evidence only). Condition: Uterine corpus endometrial carcinoma. Review status: no classification provided. Collection method: in vitro. Allele origin: not applicable. Functional consequence: retained intron. Not counted in ClinVar's aggregate classification.

Dr. Peter K. Rogan Lab, Western University
No classification provided (evidence only). Condition: Cervical cancer. Review status: no classification provided. Collection method: in vitro. Allele origin: not applicable. Functional consequence: retained intron. Not counted in ClinVar's aggregate classification.

Dr. Peter K. Rogan Lab, Western University
No classification provided (evidence only). Condition: Malignant tumor of esophagus. Review status: no classification provided. Collection method: in vitro. Allele origin: not applicable. Functional consequence: retained intron. Not counted in ClinVar's aggregate classification.

Dr. Peter K. Rogan Lab, Western University
No classification provided (evidence only). Condition: Malignant tumor of esophagus. Review status: no classification provided. Collection method: in vitro. Allele origin: not applicable. Functional consequence: retained intron. Not counted in ClinVar's aggregate classification.